The following is an entry in ClinVar:

NM_007215.4(POLG2):c.890A>G (p.Lys297Arg)

Genes: MILR1 (mast cell immunoglobulin like receptor 1; plus strand), POLG2 (DNA polymerase gamma 2, accessory subunit; minus strand). Cytogenetic location: 17q23.3.
Variant type: single nucleotide variant.
Coding change: c.890A>G on transcript NM_007215.4 (MANE Select); coding-DNA position 890, A replaced by G.
Protein change: p.Lys297Arg; replaces lysine 297 with arginine.
Molecular consequence: missense variant.
Genome position (GRCh38, 1-based): chr17:64,490,875, T>C on the plus strand (A>G on the coding strand, the complement: POLG2 is on the minus strand). VCF-style: chr17-64490875-T-C. GRCh37 (hg19) VCF-style: chr17-62486992-T-C.
Other names: short protein forms K297R.
Identifiers: ClinVar variation 3609802 (VCV003609802.2).

ClinVar aggregate classification (germline): Uncertain significance (1 of 4 stars; one submission).

gnomAD v4.1: 3 of 1,613,566 alleles (0.00019%); highest among the groups gnomAD compares: Admixed American, 0.0017%; no homozygotes.

Submission:

Labcorp Genetics (formerly Invitae), Labcorp
Classification: Uncertain significance. Last evaluated: 2026-01-17. Review status: criteria provided, single submitter. Criteria: Invitae Variant Classification Sherloc (09022015). Collection method: clinical testing. Allele origin: germline.
Comment: This sequence change replaces lysine, which is basic and polar, with arginine, which is basic and polar, at codon 297 of the POLG2 protein (p.Lys297Arg). This variant is not present in population databases (gnomAD no frequency). This variant has not been reported in the literature in individuals affected with POLG2-related conditions. ClinVar contains an entry for this variant (Variation ID: 3609802). An algorithm developed to predict the effect of missense changes on protein structure and function (PolyPhen-2) suggests that this variant is likely to be disruptive. In summary, the available evidence is currently insufficient to determine the role of this variant in disease. Therefore, it has been classified as a Variant of Uncertain Significance.